The following is an entry in ClinVar:

ClinVar aggregate classification (germline): Uncertain significance (1 of 4 stars; one submission).

Conditions:
Congenital myasthenic syndrome 8. Also called: MYASTHENIC SYNDROME, CONGENITAL, DUE TO AGRIN DEFICIENCY; Myasthenic syndrome, congenital, 8, with pre- and postsynaptic defects. Identifiers: Orphanet 590, MedGen C3808739, MONDO:0014052, OMIM 615120.

gnomAD v4.1: 10 of 1,606,696 alleles (0.00062%); highest among the groups gnomAD compares: South Asian, 0.0066%; no homozygotes.

Submission:

Labcorp Genetics (formerly Invitae), Labcorp
Classification: Uncertain significance for Congenital myasthenic syndrome 8. Last evaluated: 2022-06-04. Review status: criteria provided, single submitter. Criteria: Invitae Variant Classification Sherloc (09022015). Collection method: clinical testing. Allele origin: germline.
Comment: This variant has not been reported in the literature in individuals affected with AGRN-related conditions. In summary, the available evidence is currently insufficient to determine the role of this variant in disease. Therefore, it has been classified as a Variant of Uncertain Significance. Algorithms developed to predict the effect of missense changes on protein structure and function (SIFT, PolyPhen-2, Align-GVGD) all suggest that this variant is likely to be tolerated. ClinVar contains an entry for this variant (Variation ID: 858300). This variant is present in population databases (rs754639566, gnomAD 0.01%). This sequence change replaces leucine, which is neutral and non-polar, with valine, which is neutral and non-polar, at codon 651 of the AGRN protein (p.Leu651Val).

NM_198576.4(AGRN):c.1951C>G (p.Leu651Val)

Gene: AGRN (agrin; plus strand). Cytogenetic location: 1p36.33.
Variant type: single nucleotide variant.
Coding change: c.1951C>G on transcript NM_198576.4 (MANE Select); coding-DNA position 1951, C replaced by G.
Protein change: p.Leu651Val; replaces leucine 651 with valine.
Molecular consequence: missense variant.
Genome position (GRCh38, 1-based): chr1:1,043,975, C>G. VCF-style: chr1-1043975-C-G. GRCh37 (hg19) VCF-style: chr1-979355-C-G.
Other names: c.1951C>G, p.Leu651Val (NM_001305275.2); c.1636C>G, p.Leu546Val (NM_001364727.2); short protein forms L651V, L546V.
Identifiers: ClinVar variation 858300 (VCV000858300.9), dbSNP rs754639566, ClinGen allele CA508388.